The following is an entry in ClinVar:

NM_000492.4(CFTR):c.2764G>C (p.Val922Leu)

Gene: CFTR (CF transmembrane conductance regulator; plus strand). Cytogenetic location: 7q31.2.
Variant type: single nucleotide variant.
Coding change: c.2764G>C on transcript NM_000492.4 (MANE Select); coding-DNA position 2764, G replaced by C.
Protein change: p.Val922Leu; replaces valine 922 with leucine.
Molecular consequence: missense variant.
Genome position (GRCh38, 1-based): chr7:117,603,638, G>C. VCF-style: chr7-117603638-G-C. GRCh37 (hg19) VCF-style: chr7-117243692-G-C.
Other names: short protein forms V922L.
Identifiers: ClinVar variation 1795728 (VCV001795728.2), dbSNP rs1792259336, ClinGen allele CA368986689.

ClinVar aggregate classification (germline): Uncertain significance (1 of 4 stars; one submission).

Conditions:
Cystic fibrosis (CF). Also called: MUCOVISCIDOSIS. Identifiers: Orphanet 586, MedGen C0010674, MONDO:0009061, OMIM 219700. Disease mechanism: loss of function.

Allele frequency attached by ClinVar (database versions not stated): gnomAD exomes below 0.00001.
gnomAD v4.1: 2 of 1,614,078 alleles (0.00012%); highest among the groups gnomAD compares: Non-Finnish European, 0.00017%; no homozygotes.

Submission:

Ambry Genetics
Classification: Uncertain significance for Cystic fibrosis. Last evaluated: 2022-04-05. Review status: criteria provided, single submitter. Criteria: Ambry Variant Classification Scheme 2023. Collection method: clinical testing. Allele origin: germline.
Comment: The p.V922L variant (also known as c.2764G>C), located in coding exon 17 of the CFTR gene, results from a G to C substitution at nucleotide position 2764. The valine at codon 922 is replaced by leucine, an amino acid with highly similar properties. This amino acid position is not well conserved in available vertebrate species. In addition, the in silico prediction for this alteration is inconclusive. Since supporting evidence is limited at this time, the clinical significance of this alteration remains unclear.